The following is an entry in ClinVar:

NM_001005373.4(LRSAM1):c.988C>T (p.Gln330Ter)

Gene: LRSAM1 (leucine rich repeat and sterile alpha motif containing 1; plus strand). Cytogenetic location: 9q33.3.
Variant type: single nucleotide variant.
Coding change: c.988C>T on transcript NM_001005373.4 (MANE Select); coding-DNA position 988, C replaced by T.
Protein change: p.Gln330Ter; replaces glutamine 330 with a stop codon.
Molecular consequence: nonsense. On other transcripts: non-coding transcript variant (2).
Genome position (GRCh38, 1-based): chr9:127,479,923, C>T. VCF-style: chr9-127479923-C-T. GRCh37 (hg19) VCF-style: chr9-130242202-C-T.
Other names: c.988C>T, p.Gln330Ter (NM_001005374.4, NM_001190723.3, NM_001384142.1 and 2 more transcripts); c.199C>T, p.Gln67Ter (NM_001384144.1); short protein forms Q330*, Q67*.
Identifiers: ClinVar variation 1073788 (VCV001073788.7), dbSNP rs1156243243, ClinGen allele CA374931534.

ClinVar aggregate classification (germline): Pathogenic (1 of 4 stars; one submission).

Conditions:
Charcot-Marie-Tooth disease axonal type 2P. Also called: CHARCOT-MARIE-TOOTH DISEASE, AXONAL, TYPE 2G; CMT 2G; CHARCOT-MARIE-TOOTH NEUROPATHY, TYPE 2P; Charcot-Marie-Tooth Neuropathy Type 2G. Identifiers: Orphanet 300319, Orphanet 99941, MedGen C3280797, MONDO:0013753, OMIM 614436.

Allele frequency attached by ClinVar (database versions not stated): gnomAD exomes below 0.00001; TOPMed below 0.00001; gnomAD 0.00001.
gnomAD v4.1: 2 of 1,614,028 alleles (0.00012%); highest among the groups gnomAD compares: African/African-American, 0.0027%; no homozygotes.

Submission:

Labcorp Genetics (formerly Invitae), Labcorp
Classification: Pathogenic for Charcot-Marie-Tooth disease axonal type 2P. Last evaluated: 2020-09-04. Review status: criteria provided, single submitter. Criteria: Invitae Variant Classification Sherloc (09022015). Collection method: clinical testing. Allele origin: germline.
Comment: This variant has not been reported in the literature in individuals with LRSAM1-related conditions. This variant is not present in population databases (ExAC no frequency). This sequence change creates a premature translational stop signal (p.Gln330*) in the LRSAM1 gene. It is expected to result in an absent or disrupted protein product. Loss-of-function variants in LRSAM1 are known to be pathogenic (PMID: 20865121). For these reasons, this variant has been classified as Pathogenic.

Literature cited by the submitters: PubMed 20865121.